The following is an entry in ClinVar:

ClinVar aggregate classification (germline): Uncertain significance. Review status: criteria provided, multiple submitters, no conflicts (2 of 4 stars). 2 submissions from 2 submitters: Uncertain significance (2). Last evaluated 2024-10-21.

Conditions:
Primary ciliary dyskinesia 23 (CILD23). Also called: CILIARY DYSKINESIA, PRIMARY, 23, WITH OR WITHOUT SITUS INVERSUS. Identifiers: Orphanet 244, MedGen C3809548, MONDO:0014193, OMIM 615451.
Primary ciliary dyskinesia. Also called: Ciliary dyskinesia. Identifiers: Orphanet 244, MedGen C0008780, MONDO:0016575, HP:0012265.

Allele frequency attached by ClinVar (database versions not stated): gnomAD exomes 0.00010; ExAC 0.00012; ESP Exome Variant Server 0.00015; 1000 Genomes Project 30x 0.00016; TOPMed 0.00019; 1000 Genomes Project 0.00020; gnomAD 0.00023 and 0.00024.
gnomAD v4.1: 172 of 1,614,170 alleles (0.011%); highest among the groups gnomAD compares: Middle Eastern, 0.082%; 1 homozygote.

Submissions (2):

Ambry Genetics
Classification: Uncertain significance for Primary ciliary dyskinesia. Last evaluated: 2024-10-21. Review status: criteria provided, single submitter. Criteria: Ambry Variant Classification Scheme 2023. Collection method: clinical testing. Allele origin: germline.

Labcorp Genetics (formerly Invitae), Labcorp
Classification: Uncertain significance for Primary ciliary dyskinesia 23. Last evaluated: 2022-02-05. Review status: criteria provided, single submitter. Criteria: Invitae Variant Classification Sherloc (09022015). Collection method: clinical testing. Allele origin: germline.
Comment: This sequence change replaces alanine, which is neutral and non-polar, with aspartic acid, which is acidic and polar, at codon 966 of the ARMC4 protein (p.Ala966Asp). This variant is present in population databases (rs201834298, gnomAD 0.05%), including at least one homozygous and/or hemizygous individual. This variant has not been reported in the literature in individuals affected with ARMC4-related conditions. ClinVar contains an entry for this variant (Variation ID: 859136). Algorithms developed to predict the effect of missense changes on protein structure and function are either unavailable or do not agree on the potential impact of this missense change (SIFT: "Deleterious"; PolyPhen-2: "Probably Damaging"; Align-GVGD: "Class C0"). In summary, the available evidence is currently insufficient to determine the role of this variant in disease. Therefore, it has been classified as a Variant of Uncertain Significance.

NM_018076.5(ODAD2):c.2897C>A (p.Ala966Asp)

Gene: ODAD2 (outer dynein arm docking complex subunit 2; minus strand). Cytogenetic location: 10p12.1.
Variant type: single nucleotide variant.
Coding change: c.2897C>A on transcript NM_018076.5 (MANE Select); coding-DNA position 2897, C replaced by A.
Protein change: p.Ala966Asp; replaces alanine 966 with aspartic acid.
Molecular consequence: missense variant.
Genome position (GRCh38, 1-based): chr10:27,860,749, G>T on the plus strand (C>A on the coding strand, the complement: ODAD2 is on the minus strand). VCF-style: chr10-27860749-G-T. GRCh37 (hg19) VCF-style: chr10-28149678-G-T.
Other names: c.2897C>A, p.Ala966Asp (NM_001290020.2); c.1472C>A, p.Ala491Asp (NM_001290021.2); c.1973C>A, p.Ala658Asp (NM_001312689.2); short protein forms A966D, A491D, A658D.
Identifiers: ClinVar variation 859136 (VCV000859136.9), dbSNP rs201834298, ClinGen allele CA5453075.